The following is an entry in ClinVar:

ClinVar aggregate classification (germline): Uncertain significance (1 of 4 stars; one submission).

Conditions:
Emery-Dreifuss muscular dystrophy 4, autosomal dominant (EDMD4). Also called: EMERY-DREIFUSS MUSCULAR DYSTROPHY 4 WITH VARIABLE FEATURES. Identifiers: Orphanet 261, MedGen C2751807, MONDO:0013071, OMIM 612998.
Autosomal recessive ataxia, Beauce type. Also called: SYNE1 Deficiency; Spinocerebellar ataxia, autosomal recessive 8; ATAXIA, RECESSIVE, OF BEAUCE; SYNE1-Related Autosomal Recessive Cerebellar Ataxia. Identifiers: Orphanet 88644, MedGen C1853116, MONDO:0012549, OMIM 610743.

Submission:

Labcorp Genetics (formerly Invitae), Labcorp
Classification: Uncertain significance for Emery-Dreifuss muscular dystrophy 4, autosomal dominant; Autosomal recessive ataxia, Beauce type. Last evaluated: 2022-04-13. Review status: criteria provided, single submitter. Criteria: Invitae Variant Classification Sherloc (09022015). Collection method: clinical testing. Allele origin: germline.
Comment: This sequence change replaces glutamic acid, which is acidic and polar, with aspartic acid, which is acidic and polar, at codon 3520 of the SYNE1 protein (p.Glu3520Asp). This variant is not present in population databases (gnomAD no frequency). This variant has not been reported in the literature in individuals affected with SYNE1-related conditions. Algorithms developed to predict the effect of missense changes on protein structure and function output the following: SIFT: "Tolerated"; PolyPhen-2: "Benign"; Align-GVGD: "Class C0". The aspartic acid amino acid residue is found in multiple mammalian species, which suggests that this missense change does not adversely affect protein function. In summary, the available evidence is currently insufficient to determine the role of this variant in disease. Therefore, it has been classified as a Variant of Uncertain Significance.

NM_182961.4(SYNE1):c.10539A>C (p.Glu3513Asp)

Gene: SYNE1 (spectrin repeat containing nuclear envelope protein 1; minus strand). Cytogenetic location: 6q25.2.
Variant type: single nucleotide variant.
Coding change: c.10539A>C on transcript NM_182961.4 (MANE Select); coding-DNA position 10539, A replaced by C.
Protein change: p.Glu3513Asp; replaces glutamic acid 3513 with aspartic acid.
Molecular consequence: missense variant.
Genome position (GRCh38, 1-based): chr6:152,358,442, T>G on the plus strand (A>C on the coding strand, the complement: SYNE1 is on the minus strand). VCF-style: chr6-152358442-T-G. GRCh37 (hg19) VCF-style: chr6-152679577-T-G.
Other names: c.10560A>C, p.Glu3520Asp (NM_033071.5); short protein forms E3520D, E3513D.
Identifiers: ClinVar variation 2121971 (VCV002121971.1), dbSNP rs2488634148, ClinGen allele CA366127782.